The following is an entry in ClinVar:

ClinVar aggregate classification (germline): Likely pathogenic (1 of 4 stars; one submission).

Conditions:
Pulmonary fibrosis and/or bone marrow failure, Telomere-related, 4. Also called: PULMONARY FIBROSIS AND/OR BONE MARROW FAILURE SYNDROME, TELOMERE-RELATED, 4. Identifiers: Orphanet 2032, MedGen C4225347, MONDO:0014612, OMIM 616371.

Submission:

Godley laboratory, The University of Chicago
Classification: Likely pathogenic for Pulmonary fibrosis and/or bone marrow failure, Telomere-related, 4. Last evaluated: 2020-05-18. Review status: criteria provided, single submitter. Criteria: ACMG Guidelines, 2015. Collection method: clinical testing. Allele origin: germline. Inheritance: Autosomal dominant inheritance. Affected: yes. Observed: 1 heterozygote.
Comment: The telomere length was below the 1st percentile in lymphocytes. The following ACMG/AMP criteria were used: PVS1_strong, PS4_supporting, PM2.

NM_002582.4(PARN):c.784-170_840+174del

Gene: PARN (poly(A)-specific ribonuclease; minus strand). Cytogenetic location: 16p13.12.
Variant type: Deletion.
Coding change: c.784-170_840+174del on transcript NM_002582.4 (MANE Select); 170 bases into the intron before coding-DNA position 784 through 174 bases into the intron after coding-DNA position 840, 401 bases deleted.
Molecular consequence: splice acceptor variant, splice donor variant.
Genome position (GRCh38, 1-based): chr16:14,599,730-14,600,130, 401 bases deleted. GRCh37 (hg19): chr16:14,693,589-14,693,989.
Other names: c.601-170_657+174del (NM_001134477.3); c.646-170_702+174del (NM_001242992.2).
Identifiers: ClinVar variation 973098 (VCV000973098.2), dbSNP rs1970760757, ClinGen allele CA1139664549.